The following is an entry in ClinVar:

ClinVar aggregate classification (germline): Likely benign (0 of 4 stars; one submission).

Conditions:
PRRC2A-related disorder. Also called: PRRC2A-related condition.

Allele frequency attached by ClinVar (database versions not stated): gnomAD exomes below 0.00001; TOPMed below 0.00001; gnomAD 0.00001; 1000 Genomes Project 30x 0.00016; 1000 Genomes Project 0.00020.
gnomAD v4.1: 8 of 1,614,206 alleles (0.0005%); highest among the groups gnomAD compares: African/African-American, 0.0027%; no homozygotes.

Submission:

PreventionGenetics, part of Exact Sciences
Classification: Likely benign for PRRC2A-related condition. Last evaluated: 2019-03-12. Review status: no assertion criteria provided. Collection method: clinical testing. Allele origin: germline.
Comment: This variant is classified as likely benign based on ACMG/AMP sequence variant interpretation guidelines (Richards et al. 2015 PMID: 25741868, with internal and published modifications).

NM_004638.4(PRRC2A):c.210A>G (p.Lys70=)

Gene: PRRC2A (proline rich coiled-coil 2A; plus strand). Cytogenetic location: 6p21.33.
Variant type: single nucleotide variant.
Coding change: c.210A>G on transcript NM_004638.4 (MANE Select); coding-DNA position 210, A replaced by G.
Protein change: p.Lys70=; no amino-acid change (lysine 70 retained).
Molecular consequence: synonymous variant.
Genome position (GRCh38, 1-based): chr6:31,623,829, A>G. VCF-style: chr6-31623829-A-G. GRCh37 (hg19) VCF-style: chr6-31591606-A-G.
Other names: c.210A>G, p.Lys70= (NM_080686.3).
Identifiers: ClinVar variation 3047859 (VCV003047859.2), dbSNP rs116417610, ClinGen allele CA136853116.
Genomic context (GRCh38, chr6:31,623,829, plus strand): 5'-TGCCATTGCCCGGCGTATGCCACCTCCAGCCAACCTTCCAAGCCTGAAAGCCGAGAACAA[A>G]GGCAATGACCCCAATGTCTCACTAGTGCCAAAAGACGGAACAGGATGGGCAAGCAAACAG-3'
Protein context (NP_004629.3, residues 60-80): ANLPSLKAEN[Lys70=]GNDPNVSLVP